The following is an entry in ClinVar:

NM_000505.4(F12):c.800+8G>A

Gene: F12 (coagulation factor XII; minus strand). Cytogenetic location: 5q35.3.
Variant type: single nucleotide variant.
Coding change: c.800+8G>A on transcript NM_000505.4 (MANE Select); 8 bases into the intron after coding-DNA position 800, G replaced by A.
Molecular consequence: intron variant.
Genome position (GRCh38, 1-based): chr5:177,404,491, C>T on the plus strand (G>A on the coding strand, the complement: F12 is on the minus strand). VCF-style: chr5-177404491-C-T. GRCh37 (hg19) VCF-style: chr5-176831492-C-T.
Identifiers: ClinVar variation 695874 (VCV000695874.10), dbSNP rs199917514, ClinGen allele CA3581385.

ClinVar aggregate classification (germline): Benign. Review status: criteria provided, single submitter (1 of 4 stars). 2 submissions from 2 submitters: Benign (1). 1 of the submissions does not count toward it. Last evaluated 2026-01-18.

Conditions:
F12-related disorder. Also called: F12-related condition; F12-related disorders. Identifiers: MedGen CN239389.

Allele frequency attached by ClinVar (database versions not stated): ExAC 0.00056; 1000 Genomes Project 0.00120; 1000 Genomes Project 30x 0.00141; gnomAD 0.00143 and 0.00160; TOPMed 0.00167; ESP Exome Variant Server 0.00192.

Submissions (2):

Labcorp Genetics (formerly Invitae), Labcorp
Classification: Benign. Last evaluated: 2026-01-18. Review status: criteria provided, single submitter. Criteria: Invitae Variant Classification Sherloc (09022015). Collection method: clinical testing. Allele origin: germline.

PreventionGenetics, part of Exact Sciences
Classification: Likely benign for F12-related condition. Last evaluated: 2024-05-22. Review status: no assertion criteria provided. Collection method: clinical testing. Allele origin: germline. Not counted in ClinVar's aggregate classification.
Comment: This variant is classified as likely benign based on ACMG/AMP sequence variant interpretation guidelines (Richards et al. 2015 PMID: 25741868, with internal and published modifications).